The following is an entry in ClinVar:

NM_002788.4(PSMA3):c.436G>A (p.Gly146Ser)

Gene: PSMA3 (proteasome 20S subunit alpha 3; plus strand). Cytogenetic location: 14q23.1.
Variant type: single nucleotide variant.
Coding change: c.436G>A on transcript NM_002788.4 (MANE Select); coding-DNA position 436, G replaced by A.
Protein change: p.Gly146Ser; replaces glycine 146 with serine.
Molecular consequence: missense variant. On other transcripts: non-coding transcript variant (1).
Genome position (GRCh38, 1-based): chr14:58,260,979, G>A. VCF-style: chr14-58260979-G-A. GRCh37 (hg19) VCF-style: chr14-58727697-G-A.
Other names: c.415G>A, p.Gly139Ser (NM_152132.3); short protein forms G139S, G146S.
Identifiers: ClinVar variation 2220845 (VCV002220845.6), dbSNP rs1345229632, ClinGen allele CA389849848.

ClinVar aggregate classification (germline): Uncertain significance. Review status: criteria provided, multiple submitters, no conflicts (2 of 4 stars). 2 submissions from 2 submitters: Uncertain significance (2). Last evaluated 2024-09-24.

Allele frequency attached by ClinVar (database versions not stated): gnomAD 0.00001; gnomAD exomes 0.00001.
gnomAD v4.1: 10 of 1,612,212 alleles (0.00062%); highest among the groups gnomAD compares: Middle Eastern, 0.017%; no homozygotes.

Submissions (2):

Ambry Genetics
Classification: Uncertain significance. Last evaluated: 2024-09-24. Review status: criteria provided, single submitter. Criteria: Ambry Variant Classification Scheme 2023. Collection method: clinical testing. Allele origin: germline.

Labcorp Genetics (formerly Invitae), Labcorp
Classification: Uncertain significance. Last evaluated: 2023-10-04. Review status: criteria provided, single submitter. Criteria: Invitae Variant Classification Sherloc (09022015). Collection method: clinical testing. Allele origin: germline.
Comment: This sequence change replaces glycine, which is neutral and non-polar, with serine, which is neutral and polar, at codon 146 of the PSMA3 protein (p.Gly146Ser). The frequency data for this variant in the population databases is considered unreliable, as metrics indicate poor data quality at this position in the gnomAD database. This variant has not been reported in the literature in individuals affected with PSMA3-related conditions. ClinVar contains an entry for this variant (Variation ID: 2220845). An algorithm developed to predict the effect of missense changes on protein structure and function (PolyPhen-2) suggests that this variant is likely to be disruptive. Algorithms developed to predict the effect of sequence changes on RNA splicing suggest that this variant may disrupt the consensus splice site. In summary, the available evidence is currently insufficient to determine the role of this variant in disease. Therefore, it has been classified as a Variant of Uncertain Significance.